The following is an entry in ClinVar:

NM_004588.5(SCN2B):c.263T>C (p.Ile88Thr)

Gene: SCN2B (sodium voltage-gated channel beta subunit 2; minus strand). Cytogenetic location: 11q23.3.
Variant type: single nucleotide variant.
Coding change: c.263T>C on transcript NM_004588.5 (MANE Select); coding-DNA position 263, T replaced by C.
Protein change: p.Ile88Thr; replaces isoleucine 88 with threonine.
Molecular consequence: missense variant.
Genome position (GRCh38, 1-based): chr11:118,168,270, A>G on the plus strand (T>C on the coding strand, the complement: SCN2B is on the minus strand). VCF-style: chr11-118168270-A-G. GRCh37 (hg19) VCF-style: chr11-118038985-A-G.
Other names: short protein forms I88T.
Identifiers: ClinVar variation 2447545 (VCV002447545.3), dbSNP rs1948402186, ClinGen allele CA382785341.
Genomic context (GRCh38, chr11:118,168,270, plus strand): 5'-TACTTGCTGGGGTTCCCTGAGAACTCCACGCGGTCTTGAAACCGCTCCAGCTTCAGGTTA[A>G]TGATCTTCATGCGGAACTGGAGGAACTGGGGTTGGAGCAAGGGACAGGATGGGTGGCTGG-3'
Protein context (NP_004579.1, residues 78-98): EMFLQFRMKI[Ile88Thr]NLKLERFQDR

ClinVar aggregate classification (germline): Uncertain significance. Review status: criteria provided, multiple submitters, no conflicts (2 of 4 stars). 2 submissions from 2 submitters: Uncertain significance (2). Last evaluated 2025-11-05.

Conditions:
Atrial fibrillation, familial, 14 (ATFB14). Identifiers: MedGen C3809312, MONDO:0014156, OMIM 615378.
Cardiovascular phenotype. Identifiers: MedGen CN230736.

Submissions (2):

Labcorp Genetics (formerly Invitae), Labcorp
Classification: Uncertain significance for Atrial fibrillation, familial, 14. Last evaluated: 2025-11-05. Review status: criteria provided, single submitter. Criteria: Invitae Variant Classification Sherloc (09022015). Collection method: clinical testing. Allele origin: germline.
Comment: This sequence change replaces isoleucine, which is neutral and non-polar, with threonine, which is neutral and polar, at codon 88 of the SCN2B protein (p.Ile88Thr). This variant is not present in population databases (gnomAD no frequency). This variant has not been reported in the literature in individuals affected with SCN2B-related conditions. ClinVar contains an entry for this variant (Variation ID: 2447545). An algorithm developed to predict the effect of missense changes on protein structure and function (PolyPhen-2) suggests that this variant is likely to be tolerated. In summary, the available evidence is currently insufficient to determine the role of this variant in disease. Therefore, it has been classified as a Variant of Uncertain Significance.

Ambry Genetics
Classification: Uncertain significance for Cardiovascular phenotype. Last evaluated: 2022-12-31. Review status: criteria provided, single submitter. Criteria: Ambry Variant Classification Scheme 2023. Collection method: clinical testing. Allele origin: germline.
Comment: The p.I88T variant (also known as c.263T>C), located in coding exon 3 of the SCN2B gene, results from a T to C substitution at nucleotide position 263. The isoleucine at codon 88 is replaced by threonine, an amino acid with similar properties. This amino acid position is conserved. In addition, this alteration is predicted to be tolerated by in silico analysis. Since supporting evidence is limited at this time, the clinical significance of this alteration remains unclear.